The following is an entry in ClinVar:

ClinVar aggregate classification (germline): Pathogenic. Review status: reviewed by expert panel (3 of 4 stars). 13 submissions from 13 submitters: Pathogenic (1). 12 of the submissions do not count toward it. Last evaluated 2026-04-30.

Conditions:
Hb SS disease (SCD). Also called: Hemoglobin SS; Sickle cell anemia; Sickle cell disease; HbS disease; Hemoglobin S Disease; Sickling disorder due to hemoglobin S. Identifiers: Orphanet 232, Orphanet 275752, MedGen C0002895, MONDO:0011382, OMIM 603903.
Heinz body anemia. Also called: Heinz body hemolytic anemia. Identifiers: Orphanet 178330, MedGen C0700299, MONDO:0007705, OMIM 140700, HP:0005511.
alpha Thalassemia. Also called: Alpha thalassemia spectrum. Identifiers: Orphanet 846, MedGen C0002312, MONDO:0011399, OMIM 604131.
Dominant beta-thalassemia. Also called: Beta-thalassemia, dominant inclusion body type. Identifiers: Orphanet 231226, Orphanet 848, MedGen C1858990, MONDO:0011381, OMIM 603902.
Beta-thalassemia HBB/LCRB. Identifiers: MedGen CN322236, MONDO:0013517, OMIM 613985.
Erythrocytosis, familial, 6. Also called: POLYCYTHEMIA, BETA-GLOBIN TYPE; ERYTHROCYTOSIS, BETA-GLOBIN TYPE. Identifiers: MedGen C4693822, MONDO:0054801, OMIM 617980.
METHEMOGLOBINEMIA, BETA TYPE. Also called: Methemoglobinemia, beta-globin type. Identifiers: MedGen C1840779, OMIM 617971.
Malaria, susceptibility to. Identifiers: Orphanet 673, MedGen C1970028, MONDO:0021024, OMIM 611162.
Hereditary persistence of fetal hemoglobin. Identifiers: MedGen C0019025, MONDO:0020989, OMIM 141749.
HBB-related disorder. Also called: HBB-related disorders; HBB-related condition. Identifiers: MedGen CN239378.
beta Thalassemia (BTHAL). Also called: Cooley's anemia; Erythroblastic anemia; Mediterranean anemia. Identifiers: Orphanet 848, MedGen C0005283, MONDO:0019402. Disease mechanism: loss of function.
Beta thalassemia intermedia (BTHAL-ITMD). Identifiers: Orphanet 231222, MedGen C0472767, MONDO:0016487.
BETA-PLUS-THALASSEMIA. Identifiers: MedGen C3841475.

Submissions 1 to 7 of 13:

ClinGen Hemoglobinopathy Variant Curation Expert Panel, ClinGen
Classification: Pathogenic for Beta-thalassemia HBB/LCRB. Last evaluated: 2026-04-30. Review status: reviewed by expert panel. Criteria: ClinGen Hb Opathy ACMG Specifications HBB V1.0.0. Collection method: curation. Allele origin: germline. Inheritance: Autosomal recessive inheritance.
Comment: The c.-137C>G variant is located in the untranscribed region upstream of the HBB gene, in the CACCC functional element. The minor allele frequency in gnomAD v4.1 is 0.00001557 (11/706420 alleles), which is lower than the ClinGen Hemoglobinopathy VCEP threshold <0.0001 for PM2_Supporting, and therefore meets this criterion [PM2_P]. Two different variants, NM_000518.5(HBB):c.-137C>T and NM_000518.5(HBB):c.-137C>A [VCV000036287.6; VCV000036285.4], in the same base site are considered to have valid evidence for pathogenicity by the VCEP [PMID: 36453528] and have been classified as pathogenic for beta-thalassemia with a 2 star review status by ClinVar [PM5]. This variant has been reported in ≥15 unrelated individuals displaying a hematological phenotype consistent with beta thalassemia trait (reduced MCV and MCH with high HbA2), giving a total score of 16 [PS4_VS, PMID: 2917193; The Hemoglobinopathies Laboratory, Department of Human and Clinical Genetics, Leiden University Medical Center; Department of Medical Genetics, National and Kapodistrian University of Athens; Molecular Genetics Laboratory, Hamilton Regional Laboratory Medicine Program, Hamilton Health Sciences; Blood Disorder Genetics and Thalassemia Department, The Cyprus Institute of Neurology and Genetics]. This variant has been detected in 16 individuals with beta thalassemia requiring transfusions. Of those individuals, 14 were compound heterozygous for the variant and a pathogenic variant [IVS I-110 G>A; CD 39 C>T], confirmed in trans by DNA studies, and 2 individuals were homozygous for the variant. Total PM3 points are 15 [PM3_VS, PMID:2375912; 2917193; Molecular Genetics Laboratory, Hamilton Regional Laboratory Medicine Program, Hamilton Health Sciences; Blood Disorder Genetics and Thalassemia Department, The Cyprus Institute of Neurology and Genetics]. The variant has been reported to segregate with β-thalassemia (all had anemia, some with a history of transfusion) in 11 affected family members from 8 families. The total number of unaffected segregations is 1. The LOD score is >6.15. [PP1_S, PMID: 2917193; Molecular Genetics Laboratory, Hamilton Regional Laboratory Medicine Program, Hamilton Health Sciences]. The luciferase assay showed that the -87C>G allele reduces reporter gene expression by downregulating the β-globin gene promoter, indicating that this variant impacts protein function [PS3_P; PMID: 28503568]. The computational predictor CADD (PHRED score 14.94, VCEP threshold >12) suggests that this variant impacts HBB function [PP3]. In summary, this variant meets the criteria to be classified as a pathogenic variant for beta-thalassemia HBB/LCRB (MONDO:0013517) in an autosomal recessive manner based on the ACMG/AMP criteria applied, as specified by the ClinGen Hemoglobinopathy VCEP (specification version 1.0.0): PM3_VS, PS4_VS, PP1_S, PM5, PS3_P, PM2_P, PP3

3billion
Classification: Likely pathogenic for Beta-thalassemia HBB/LCRB. Last evaluated: 2026-01-15. Review status: criteria provided, single submitter. Criteria: ACMG Guidelines, 2015. Collection method: clinical testing. Allele origin: germline. Affected: yes. Not counted in ClinVar's aggregate classification.
Comment: The variant is observed at an extremely low frequency in the gnomAD v4.1.0 dataset (total allele frequency: 0.002%). Predicted Consequence/Location: Non coding variant The variant has been reported at least twice as pathogenic with clinical assertions and evidence for the classification (ClinVar ID: VCV000015464 /PMID: 6280057). Therefore, this variant is classified as Likely pathogenic according to the recommendation of ACMG/AMP guideline.

Natera, Inc.
Classification: Pathogenic for Beta thalassemia. Last evaluated: 2025-10-31. Review status: criteria provided, single submitter. Criteria: Natera Variant Classification Schema (03/2026). Collection method: clinical testing. Allele origin: germline. Not counted in ClinVar's aggregate classification.
Comment: The c.-137C>G variant in HBB is a 5' untranslated region (UTR) variant located upstream of the translation start codon. This variant is rare in the general population with a frequency below the threshold expected for the associated phenotype(s). This variant has been observed in one or more individuals affected with the associated recessive disease, as either homozygous or compound heterozygous with a second variant (PMID: 25902180). Given the available evidence, this variant is classified as Pathogenic.

ARUP Laboratories, Molecular Genetics and Genomics, ARUP Laboratories
Classification: Pathogenic. Last evaluated: 2025-07-28. Review status: criteria provided, single submitter. Criteria: ARUP Molecular Germline Variant Investigation Process 2024. Collection method: clinical testing. Allele origin: germline. Not counted in ClinVar's aggregate classification.
Comment: The HBB c.-137C>G variant (rs33941377, HbVar ID: 758), also known as -87 (C->G), is reported in the literature in multiple individuals affected with beta+ thalassemia (see HbVar database link and references therein, Orkin 1982). This variant is located in a conserved region of the beta globin gene promoter and functional analyses demonstrated a significant reduction in transcription (Treisman 1983). This variant is reported in ClinVar (Variation ID: 15464) and absent from the Genome Aggregation Database, indicating it is not a common polymorphism. Based on available information, this variant is considered to be pathogenic. References: Orkin SH et al. Linkage of beta-thalassaemia mutations and beta-globin gene polymorphisms with DNA polymorphisms in human beta-globin gene cluster. Nature. 1982 Apr 15;296(5858):627-31. PMID: 6280057. Treisman R et al. Specific transcription and RNA splicing defects in five cloned beta-thalassaemia genes. Nature. 1983 Apr 14;302(5909):591-6. PMID: 6188062.

Quest Diagnostics Nichols Institute San Juan Capistrano
Classification: Pathogenic. Last evaluated: 2025-05-20. Review status: criteria provided, single submitter. Criteria: Quest Diagnostics criteria. Collection method: clinical testing. Allele origin: unknown. Not counted in ClinVar's aggregate classification.
Comment: The HBB c.-137C>G variant (also known as -87C>G) has been reported in the published literature to deleteriously affect the promoter and transcription of the beta globin (HBB) gene (PMIDs: 28503568 (2017), 2917193 (1989)). This variant is associated with beta(+)-thalassemia (HbVar, and PMIDs: 28503568 (2017), 21228398 (2011), 2917193 (1989), 2446680 (1988), 6280057 (1982)). This variant has not been reported in large, multi-ethnic general populations (Genome Aggregation Database). Based on the available information, this variant is classified as pathogenic.

GeneDx
Classification: Pathogenic. Last evaluated: 2025-02-18. Review status: criteria provided, single submitter. Criteria: GeneDx Variant Classification Process June 2021. Collection method: clinical testing. Allele origin: germline. Affected: yes. Not counted in ClinVar's aggregate classification.
Comment: Published functional studies demonstrate a damaging effect, as transcient transfection of the gene with c.-137C>G in Hela cells showed reduction of beta-globin mRNA production (PMID: 6086605); Also known as -87C>G using alternate nomenclature; No data available from control populations to assess the frequency of this variant; Located in a regulatory region; This variant is associated with the following publications: (PMID: 2446680, 6188062, 22975760, 6280057, 7655036, 28503568, 2837728, 291719, 21228398, 31395865, 38927598, 37816374, 2375912, 35336809, 9163586, 7507641, 39359944, 38322302, 28385923, 36054783, 6086605, 27821015, 39859286, 20704537, 28399358)

Blueprint Genetics
Classification: Pathogenic for HBB-related disorders. Last evaluated: 2024-07-03. Review status: criteria provided, single submitter. Criteria: ACMG Guidelines, 2015. Collection method: clinical testing. Allele origin: germline. Affected: yes. Observed: 4 variant alleles. Not counted in ClinVar's aggregate classification.

NM_000518.5(HBB):c.-137C>G

Genes: HBB (hemoglobin subunit beta; minus strand), LOC106099062 (HBB recombination region; plus strand), LOC107133510 (origin of replication at HBB; plus strand). Cytogenetic location: 11p15.4.
Variant type: single nucleotide variant.
Coding change: c.-137C>G on transcript NM_000518.5 (MANE Select); 137 bases upstream of the start codon, C replaced by G.
Genome position (GRCh38, 1-based): chr11:5,227,158, G>C on the plus strand (C>G on the coding strand, the complement: HBB is on the minus strand). VCF-style: chr11-5227158-G-C. GRCh37 (hg19) VCF-style: chr11-5248388-G-C.
Other names: -87C>G; -87C-G.
Identifiers: ClinVar variation 15464 (VCV000015464.125), dbSNP rs33941377, ClinGen allele CA125323.
Genomic context (GRCh38, chr11:5,227,158, plus strand): 5'-TTTATGCCCAGCCCTGGCTCCTGCCCTCCCTGCTCCTGGGAGTAGATTGGCCAACCCTAG[G>C]GTGTGGCTCCACAGGGTGAGGTCTAAGTGATGACAGCCGTACCTGTCCTTGGCTCTTCTG-3'